The following is an entry in ClinVar:

NM_001077268.2(ZFYVE19):c.1338-2A>G

Gene: ZFYVE19 (zinc finger FYVE-type containing 19; plus strand). Cytogenetic location: 15q15.1.
Variant type: single nucleotide variant.
Coding change: c.1338-2A>G on transcript NM_001077268.2 (MANE Select); the canonical splice acceptor site of the intron before coding-DNA position 1338, A replaced by G.
Molecular consequence: splice acceptor variant.
Genome position (GRCh38, 1-based): chr15:40,814,146, A>G. VCF-style: chr15-40814146-A-G. GRCh37 (hg19) VCF-style: chr15-41106344-A-G.
Other names: c.1134-2A>G (NM_001258420.2); c.813-2A>G (NM_001258421.2); c.1308-2A>G (NM_032850.5).
Identifiers: ClinVar variation 4982762 (VCV004982762.1).

ClinVar aggregate classification (germline): Uncertain significance (1 of 4 stars; one submission).

Conditions:
ZFYVE19-related disorder. Also called: ZFYVE19-related condition.

Submission:

PreventionGenetics, part of Exact Sciences
Classification: Uncertain significance for ZFYVE19-related condition. Last evaluated: 2026-03-24. Review status: criteria provided, single submitter. Criteria: ACMG Guidelines, 2015. Collection method: clinical testing. Allele origin: germline.
Comment: The ZFYVE19 c.1338-2A>G variant is predicted to disrupt the AG splice acceptor site and interfere with normal splicing. To our knowledge, this variant has not been reported in the literature. This variant is reported in 0.0057% of alleles in individuals of Latino descent in gnomAD. At this time, the clinical significance of this variant is uncertain due to the absence of conclusive functional and genetic evidence.